The following is an entry in ClinVar:

ClinVar aggregate classification (germline): Uncertain significance. Review status: criteria provided, multiple submitters, no conflicts (2 of 4 stars). 4 submissions from 4 submitters: Uncertain significance (3). 1 of the submissions does not count toward it. Last evaluated 2026-04-28.

Conditions:
Inborn genetic diseases. Identifiers: MedGen C0950123, MeSH D030342.
GANAB-related disorder. Also called: GANAB-related condition.

Allele frequency attached by ClinVar (database versions not stated): gnomAD exomes 0.00002; ExAC 0.00004; 1000 Genomes Project 30x 0.00016; 1000 Genomes Project 0.00020; gnomAD 0.00020; TOPMed 0.00022; ESP Exome Variant Server 0.00031.
gnomAD v4.1: 65 of 1,614,142 alleles (0.004%); highest among the groups gnomAD compares: African/African-American, 0.073%; no homozygotes.

Submissions (4):

GeneDx
Classification: Uncertain significance. Last evaluated: 2026-04-28. Review status: criteria provided, single submitter. Criteria: GeneDx Variant Classification Process June 2021. Collection method: clinical testing. Allele origin: germline.
Comment: In silico analysis supports that this missense variant has a deleterious effect on protein structure/function; Has not been previously published as pathogenic or benign to our knowledge

Labcorp Genetics (formerly Invitae), Labcorp
Classification: Uncertain significance. Last evaluated: 2024-06-28. Review status: criteria provided, single submitter. Criteria: Invitae Variant Classification Sherloc (09022015). Collection method: clinical testing. Allele origin: germline.
Comment: This sequence change replaces lysine, which is basic and polar, with glutamine, which is neutral and polar, at codon 253 of the GANAB protein (p.Lys253Gln). This variant is present in population databases (rs201695901, gnomAD 0.07%), and has an allele count higher than expected for a pathogenic variant. This variant has not been reported in the literature in individuals affected with GANAB-related conditions. An algorithm developed to predict the effect of missense changes on protein structure and function (PolyPhen-2) suggests that this variant is likely to be disruptive. In summary, the available evidence is currently insufficient to determine the role of this variant in disease. Therefore, it has been classified as a Variant of Uncertain Significance.

Ambry Genetics
Classification: Uncertain significance for Inborn genetic diseases. Last evaluated: 2024-04-17. Review status: criteria provided, single submitter. Criteria: Ambry Variant Classification Scheme 2023. Collection method: clinical testing. Allele origin: germline.

PreventionGenetics, part of Exact Sciences
Classification: Likely benign for GANAB-related condition. Last evaluated: 2022-04-02. Review status: no assertion criteria provided. Collection method: clinical testing. Allele origin: germline. Not counted in ClinVar's aggregate classification.
Comment: This variant is classified as likely benign based on ACMG/AMP sequence variant interpretation guidelines (Richards et al. 2015 PMID: 25741868, with internal and published modifications).

NM_198334.3(GANAB):c.691A>C (p.Lys231Gln)

Gene: GANAB (glucosidase II alpha subunit; minus strand). Cytogenetic location: 11q12.3.
Variant type: single nucleotide variant.
Coding change: c.691A>C on transcript NM_198334.3 (MANE Select); coding-DNA position 691, A replaced by C.
Protein change: p.Lys231Gln; replaces lysine 231 with glutamine.
Molecular consequence: missense variant. On other transcripts: 5 prime UTR variant (2).
Genome position (GRCh38, 1-based): chr11:62,633,211, T>G on the plus strand (A>C on the coding strand, the complement: GANAB is on the minus strand). VCF-style: chr11-62633211-T-G. GRCh37 (hg19) VCF-style: chr11-62400683-T-G.
Other names: c.757A>C (NM_198335.2); c.415A>C, p.Lys139Gln (NM_001278192.2); c.349A>C, p.Lys117Gln (NM_001278193.2); c.400A>C, p.Lys134Gln (NM_001278194.2, NM_001329222.2, NM_001329223.2); c.-33A>C (NM_001329224.2, NM_001329225.2); c.757A>C, p.Lys253Gln (NM_198335.4); short protein forms K117Q, K134Q, K139Q, K231Q, K253Q.
Identifiers: ClinVar variation 3031635 (VCV003031635.7), dbSNP rs201695901, ClinGen allele CA6050974.